The following is an entry in ClinVar:

ClinVar aggregate classification (germline): Pathogenic. Review status: criteria provided, multiple submitters, no conflicts (2 of 4 stars). 41 submissions from 41 submitters: Pathogenic (32). 9 of the submissions do not count toward it. Last evaluated 2026-08-27.

Conditions:
MYBPC3-related disorder. Also called: MYBPC3-related disorders; MYBPC3-related condition; MYBPC3-related disease.
Cardiovascular phenotype. Identifiers: MedGen CN230736.
Hypertrophic cardiomyopathy 4. Also called: Familial hypertrophic cardiomyopathy 4. Identifiers: MedGen C1861862, MONDO:0007268, OMIM 115197.
Left ventricular noncompaction 10 (LVNC10). Identifiers: Orphanet 154, Orphanet 54260, MedGen C3715165, MONDO:0014163, OMIM 615396.
Cardiomyopathy (CMYO). Also called: Cardiomyopathies. Identifiers: Orphanet 167848, MedGen C0878544, MONDO:0004994, HP:0001638. Inheritance: Various modes of inheritance.
Primary familial hypertrophic cardiomyopathy (HCM). Identifiers: Orphanet 99739, MedGen C0949658, MeSH D024741, MONDO:0024573. Inheritance: Various modes of inheritance.
Hypertrophic cardiomyopathy. Also called: HYPERTROPHIC MYOCARDIOPATHY. Identifiers: Orphanet 217569, MedGen C0007194, MeSH D002312, MONDO:0005045, HP:0001639.

Allele frequency attached by ClinVar (database versions not stated): TOPMed 0.00005; gnomAD 0.00002; gnomAD exomes 0.00002 and 0.00003; ESP Exome Variant Server 0.00008; ExAC 0.00004.

Submissions 1 to 10 of 41:

PreventionGenetics, part of Exact Sciences
Classification: Pathogenic for MYBPC3-related condition. Last evaluated: 2026-08-27. Review status: criteria provided, single submitter. Criteria: ACMG Guidelines, 2015. Collection method: clinical testing. Allele origin: germline.
Comment: The MYBPC3 c.2373dupG variant is predicted to result in a frameshift and premature protein termination (p.Trp792Valfs*41). This variant has been reported in multiple unrelated individuals with hypertrophic cardiomyopathy (Niimura et al. 1998. PubMed ID: 9562578) and has been described as a founder variant in the Dutch population (Christiaans et al. 2010. PubMed ID: 20505798). This variant is reported in 0.0043% of alleles in individuals of European (Non-Finnish) descent in gnomAD and interpreted as pathogenic in ClinVar (Variation ID: 42619). Frameshift variants in MYBPC3 are expected to be pathogenic. This variant is interpreted as pathogenic.

CeGaT Center for Human Genetics Tuebingen
Classification: Pathogenic. Last evaluated: 2026-07-01. Review status: criteria provided, single submitter. Criteria: CeGaT Center For Human Genetics Tuebingen Variant Classification Criteria Version 2. Collection method: clinical testing. Allele origin: germline. Affected: yes. Observed: 9 variant alleles.
Comment: MYBPC3: PVS1, PP1:Strong, PS4, PM2:Supporting

Institute of Human Genetics, University of Leipzig Medical Center
Classification: Pathogenic for Hypertrophic cardiomyopathy 4. Last evaluated: 2026-06-16. Review status: criteria provided, single submitter. Criteria: ACMG Guidelines, 2015. Collection method: clinical testing. Allele origin: paternal. Affected: yes.
Comment: Criteria applied: PVS1,PS4,PP1_STR,PS3_SUP,PM2_SUP

Victorian Clinical Genetics Services, Murdoch Childrens Research Institute
Classification: Pathogenic for Hypertrophic cardiomyopathy 4. Last evaluated: 2026-03-27. Review status: criteria provided, single submitter. Criteria: ACMG Guidelines, 2015. Collection method: clinical testing. Allele origin: germline. Affected: yes.
Comment: This variant is classified as Pathogenic. Evidence in support of pathogenic classification: Variant is predicted to cause nonsense-mediated decay (NMD) and loss of protein (premature termination codon is located at least 54 nucleotides upstream of the final exon-exon junction); Variant is present in gnomAD (v2) <0.001 for a dominant condition (3 heterozygotes, 0 homozygotes); Very strong previous evidence of pathogenicity in unrelated individuals. The variant has previously been reported as pathogenic in multiple affected individuals with hypertrophic cardiomyopathy and is considered to be a founder mutation in the Dutch population (PMIDs: 14563344, 32009526, 32841044, ClinVar); This variant has moderate functional evidence supporting abnormal protein function. Mutant constructs expressed in mouse MYBPC3 KO engineered heart tissues displayed significantly different maximal force, contraction and relaxation kinetics, and external Ca2+ sensitivities compared with WT constructs. Moreover, mutant constructs were unable to rescue the MYBPC3 KO phenotype when expressed in either homozygous and heterozygous states (PMID: 27108529); Other NMD-predicted variants comparable to the one identified in this case have very strong previous evidence for pathogenicity. Many other NMD-predicted variants have previously been classified as pathogenic (ClinVar). Additional information: This variant is heterozygous; This gene is associated with both recessive and dominant disease. Dominant inheritance is frequently reported in adult onset conditions and recessive inheritance results in a more severe early onset phenotype (OMIM); Loss of function is a known mechanism of disease in this gene and is associated with hypertrophic cardiomyopathy 4 (HCM; MIM#115197); Variants in this gene are known to have variable expressivity (PMID: 32841044); Inheritance information for this variant is not currently available in this individual.

Labcorp Genetics (formerly Invitae), Labcorp
Classification: Pathogenic for Hypertrophic cardiomyopathy. Last evaluated: 2026-01-24. Review status: criteria provided, single submitter. Criteria: Invitae Variant Classification Sherloc (09022015). Collection method: clinical testing. Allele origin: germline.
Comment: This sequence change creates a premature translational stop signal (p.Trp792Valfs*41) in the MYBPC3 gene. It is expected to result in an absent or disrupted protein product. Loss-of-function variants in MYBPC3 are known to be pathogenic (PMID: 19574547). This variant is present in population databases (rs397515963, gnomAD 0.004%). This premature translational stop signal has been observed in individuals with hypertrophic cardiomyopathy (HCM) or neonatal cardiomyopathy with features of left ventricular non-compaction and septal defects (PMID: 9562578, 10736283, 19273718, 22115648, 22574137, 25335496). It is commonly reported in individuals of Dutch ancestry (PMID: 14563344, 20505798). ClinVar contains an entry for this variant (Variation ID: 42619). Algorithms developed to predict the effect of sequence changes on RNA splicing suggest that this variant may create or strengthen a splice site. For these reasons, this variant has been classified as Pathogenic.

Color Diagnostics, LLC DBA Color Health
Classification: Pathogenic for Cardiomyopathy. Last evaluated: 2025-11-03. Review status: criteria provided, single submitter. Criteria: ACMG Guidelines, 2015. Collection method: clinical testing. Allele origin: germline.
Comment: This variant inserts 1 nucleotide in exon 24 of the fibronectin type 3 domain C6 of the MYBPC3 gene, creating a frameshift and premature translation stop signal. This variant is expected to result in an absent or non-functional protein product. RNA studies have shown that this variant creates a new splice donor site, which could also result in a frameshift and premature truncation (PMID: 10736283). A homozygous mouse model for this variant has shown a phenotype consistent with end-stage hypertrophic cardiomyopathy, severe cardiac hypertrophy, and cardiac dysfunction (PMID: 37844837). This variant has been reported in over 300 individuals affected with hypertrophic cardiomyopathy (PMID: 9562578, 14563344, 19273718, 20505798, 22115648, 22574137, 35653365, 38489124) and occurs in up to 25% of Dutch individuals affected with hypertrophic cardiomyopathy (PMID: 14563344, 20505798). A study of a large multigenerational family affected with hypertrophic cardiomyopathy has shown that penetrance of this variant is incomplete and age-dependent (PMID: 10736283). This variant has also been reported in one individual affected with dilated cardiomyopathy (PMID: 32880476), and it has also been reported in compound heterozygous or homozygous state in three Dutch neonates affected with lethal cardiomyopathy (PMID: 25335496). This variant has been identified in 42/1563840 chromosomes in the general population by the Genome Aggregation Database (gnomAD). Loss of MYBPC3 function is a known mechanism of disease. Based on the available evidence, this variant is classified as Pathogenic.

Institute of Immunology and Genetics Kaiserslautern
Classification: Pathogenic for Hypertrophic cardiomyopathy 4. Last evaluated: 2025-07-15. Review status: criteria provided, single submitter. Criteria: ACMG Guidelines, 2015. Collection method: clinical testing. Allele origin: germline. Affected: yes.
Comment: ACMG Criteria: PVS1, PS3, PS4, PM2_P, PP1_M, PP5; Variant was found in heterozygous state.

Women's Health and Genetics/Laboratory Corporation of America, LabCorp
Classification: Pathogenic for Primary familial hypertrophic cardiomyopathy. Last evaluated: 2025-03-05. Review status: criteria provided, single submitter. Criteria: LabCorp Variant Classification Summary - May 2015. Collection method: clinical testing. Allele origin: germline.
Comment: Variant summary: MYBPC3 c.2373dupG (p.Trp792ValfsX41) results in a premature termination codon, predicted to cause a truncation of the encoded protein or absence of the protein due to nonsense mediated decay, which are commonly known mechanisms for disease. The variant allele was found at a frequency of 1.7e-05 in 172018 control chromosomes (gnomAD). c.2373dupG has been reported in the literature in several individuals affected with Hypertrophic Cardiomyopathy, who were predominantly of Dutch origin (e.g. Kolder_2012, VanDijk_2009). These data indicate that the variant is very likely to be associated with disease. At least one publication reports experimental evidence evaluating an impact on protein function, demonstrating data that supports this variant causing loss-of-function (Van Dijk_2009). The following publications have been ascertained in the context of this evaluation (PMIDs: 19273718, 22569109). ClinVar contains an entry for this variant (Variation ID: 42619). Based on the evidence outlined above, the variant was classified as pathogenic.

Revvity Omics, Revvity
Classification: Pathogenic. Last evaluated: 2025-02-05. Review status: criteria provided, single submitter. Criteria: ACMG Guidelines, 2015. Collection method: clinical testing. Allele origin: germline.

Molecular Diagnostic Laboratory for Inherited Cardiovascular Disease, Montreal Heart Institute
Classification: Pathogenic for Cardiovascular phenotype. Last evaluated: 2025-01-09. Review status: criteria provided, single submitter. Criteria: ACMG Guidelines, 2015. Collection method: clinical testing. Allele origin: germline. Affected: yes.

NC_000011.10:g.47337730dup

Gene: MYBPC3 (myosin binding protein C3; minus strand). Cytogenetic location: 11p11.2.
Variant type: Duplication.
Genome position: GRCh38 VCF-style: chr11-47337729-A-AC. GRCh37 (hg19) VCF-style: chr11-47359280-A-AC.
Other names: p.Trp792ValfsX41; p.Trp792Valfs*41; c.2373dupG (NM_000256.3); c.2372_2373insG (NM_000256.3); c.2373dup, p.Trp792fs (NM_000256.3); short protein forms W792fs.
Identifiers: ClinVar variation 42619 (VCV000042619.114), dbSNP rs397515963, ClinGen allele CA012139.